The following is an entry in ClinVar:

ClinVar aggregate classification (germline): Uncertain significance (1 of 4 stars; one submission).

Conditions:
Glycogen storage disease, type II (IOPD). Also called: Pompe Disease; CARDIOMEGALIA GLYCOGENICA DIFFUSA; GLYCOGENOSIS, GENERALIZED, CARDIAC FORM; GSD II; POMPE DISEASE, INFANTILE-ONSET; GLYCOGEN STORAGE DISEASE II, INFANTILE-ONSET. Identifiers: Orphanet 365, MedGen C0017921, MONDO:0009290, OMIM 232300.

Submission:

Genomenon, Inc
Classification: Uncertain significance for Glycogen storage disease, type II. Last evaluated: 2026-07-01. Review status: criteria provided, single submitter. Criteria: Genomenon Sequence Variant Interpretation Standards - Updated. Collection method: curation. Allele origin: germline. Affected: yes.
Comment: GAA p.Glu262Asp (c.786G>C ) is a missense variant that changes the amino acid at codon 262 from Glutamic acid to Aspartic acid. This variant has been observed in at least one proband with a GAA-related disorder (PMID:40225932). It is absent or not present at a significant frequency in gnomAD. In conclusion, we classify GAA p.Glu262Asp (c.786G>C ) as a variant of uncertain significance.

Literature cited by the submitters: PubMed 40225932.

NM_000152.5(GAA):c.786G>C (p.Glu262Asp)

Gene: GAA (alpha glucosidase; plus strand). Cytogenetic location: 17q25.3.
Variant type: single nucleotide variant.
Coding change: c.786G>C on transcript NM_000152.5 (MANE Select); coding-DNA position 786, G replaced by C.
Protein change: p.Glu262Asp; replaces glutamic acid 262 with aspartic acid.
Molecular consequence: missense variant.
Genome position (GRCh38, 1-based): chr17:80,107,650, G>C. VCF-style: chr17-80107650-G-C. GRCh37 (hg19) VCF-style: chr17-78081449-G-C.
Other names: c.786G>C, p.Glu262Asp (NM_001079803.3, NM_001079804.3, NM_001406741.1 and 1 more transcripts); short protein forms E262D.
Identifiers: ClinVar variation 4876481 (VCV004876481.1).